The following is an entry in ClinVar:

NM_003632.3(CNTNAP1):c.454G>A (p.Ala152Thr)

Gene: CNTNAP1 (contactin associated protein 1; plus strand). Cytogenetic location: 17q21.2.
Variant type: single nucleotide variant.
Coding change: c.454G>A on transcript NM_003632.3 (MANE Select); coding-DNA position 454, G replaced by A.
Protein change: p.Ala152Thr; replaces alanine 152 with threonine.
Molecular consequence: missense variant.
Genome position (GRCh38, 1-based): chr17:42,685,081, G>A. VCF-style: chr17-42685081-G-A. GRCh37 (hg19) VCF-style: chr17-40837099-G-A.
Other names: short protein forms A152T.
Identifiers: ClinVar variation 2092864 (VCV002092864.4), dbSNP rs1317948022, ClinGen allele CA399633631.

ClinVar aggregate classification (germline): Uncertain significance (1 of 4 stars; one submission).

Allele frequency attached by ClinVar (database versions not stated): TOPMed below 0.00001.

Submission:

Labcorp Genetics (formerly Invitae), Labcorp
Classification: Uncertain significance. Last evaluated: 2024-02-24. Review status: criteria provided, single submitter. Criteria: Invitae Variant Classification Sherloc (09022015). Collection method: clinical testing. Allele origin: germline.
Comment: This sequence change replaces alanine, which is neutral and non-polar, with threonine, which is neutral and polar, at codon 152 of the CNTNAP1 protein (p.Ala152Thr). This variant is present in population databases (no rsID available, gnomAD 0.007%). This variant has not been reported in the literature in individuals affected with CNTNAP1-related conditions. ClinVar contains an entry for this variant (Variation ID: 2092864). An algorithm developed to predict the effect of missense changes on protein structure and function (PolyPhen-2) suggests that this variant is likely to be disruptive. In summary, the available evidence is currently insufficient to determine the role of this variant in disease. Therefore, it has been classified as a Variant of Uncertain Significance.